The following is an entry in ClinVar:

ClinVar aggregate classification (germline): Uncertain significance. Review status: criteria provided, single submitter (1 of 4 stars). 2 submissions from 2 submitters: Uncertain significance (1). 1 of the submissions does not count toward it. Last evaluated 2022-08-09.

Conditions:
BLOC1S3-related disorder. Also called: BLOC1S3-related condition.

Allele frequency attached by ClinVar (database versions not stated): gnomAD 0.00001 and 0.00005; gnomAD exomes 0.00025; 1000 Genomes Project 30x 0.00031; 1000 Genomes Project 0.00040; ExAC 0.00053.
gnomAD v4.1: 184 of 1,594,560 alleles (0.012%); highest among the groups gnomAD compares: South Asian, 0.17%; 3 homozygotes.

Submissions (2):

Labcorp Genetics (formerly Invitae), Labcorp
Classification: Uncertain significance. Last evaluated: 2022-08-09. Review status: criteria provided, single submitter. Criteria: Invitae Variant Classification Sherloc (09022015). Collection method: clinical testing. Allele origin: germline.
Comment: This sequence change replaces leucine, which is neutral and non-polar, with phenylalanine, which is neutral and non-polar, at codon 167 of the BLOC1S3 protein (p.Leu167Phe). This variant is present in population databases (rs572296006, gnomAD 0.2%), including at least one homozygous and/or hemizygous individual. This variant has not been reported in the literature in individuals affected with BLOC1S3-related conditions. ClinVar contains an entry for this variant (Variation ID: 1385745). Algorithms developed to predict the effect of missense changes on protein structure and function are either unavailable or do not agree on the potential impact of this missense change (SIFT: "Deleterious"; PolyPhen-2: "Probably Damaging"; Align-GVGD: "Class C0"). In summary, the available evidence is currently insufficient to determine the role of this variant in disease. Therefore, it has been classified as a Variant of Uncertain Significance.

PreventionGenetics, part of Exact Sciences
Classification: Likely benign for BLOC1S3-related condition. Last evaluated: 2024-05-18. Review status: no assertion criteria provided. Collection method: clinical testing. Allele origin: germline. Not counted in ClinVar's aggregate classification.
Comment: This variant is classified as likely benign based on ACMG/AMP sequence variant interpretation guidelines (Richards et al. 2015 PMID: 25741868, with internal and published modifications).

NM_212550.5(BLOC1S3):c.499C>T (p.Leu167Phe)

Gene: BLOC1S3 (biogenesis of lysosomal organelles complex 1 subunit 3; plus strand). Cytogenetic location: 19q13.32.
Variant type: single nucleotide variant.
Coding change: c.499C>T on transcript NM_212550.5 (MANE Select); coding-DNA position 499, C replaced by T.
Protein change: p.Leu167Phe; replaces leucine 167 with phenylalanine.
Molecular consequence: missense variant.
Genome position (GRCh38, 1-based): chr19:45,179,795, C>T. VCF-style: chr19-45179795-C-T. GRCh37 (hg19) VCF-style: chr19-45683053-C-T.
Other names: c.499C>T (NM_212550.4); short protein forms L167F.
Identifiers: ClinVar variation 1385745 (VCV001385745.6), dbSNP rs572296006, ClinGen allele CA9510267.